The following is an entry in ClinVar:

NM_020778.5(ALPK3):c.3632A>G (p.Glu1211Gly)

Gene: ALPK3 (alpha kinase 3; plus strand). Cytogenetic location: 15q25.3.
Variant type: single nucleotide variant.
Coding change: c.3632A>G on transcript NM_020778.5 (MANE Select); coding-DNA position 3632, A replaced by G.
Protein change: p.Glu1211Gly; replaces glutamic acid 1211 with glycine.
Molecular consequence: missense variant.
Genome position (GRCh38, 1-based): chr15:84,858,370, A>G. VCF-style: chr15-84858370-A-G. GRCh37 (hg19) VCF-style: chr15-85401601-A-G.
Other names: short protein forms E1211G.
Identifiers: ClinVar variation 1514184 (VCV001514184.9), dbSNP rs565962039, ClinGen allele CA7709681.

ClinVar aggregate classification (germline): Uncertain significance. Review status: criteria provided, multiple submitters, no conflicts (2 of 4 stars). 2 submissions from 2 submitters: Uncertain significance (2). Last evaluated 2025-06-16.

Conditions:
Cardiovascular phenotype. Identifiers: MedGen CN230736.

Allele frequency attached by ClinVar (database versions not stated): gnomAD exomes below 0.00001 and 0.00001; gnomAD 0.00004; TOPMed 0.00005; ExAC 0.00010; 1000 Genomes Project 30x 0.00016; 1000 Genomes Project 0.00020.

Submissions (2):

Ambry Genetics
Classification: Uncertain significance for Cardiovascular phenotype. Last evaluated: 2025-06-16. Review status: criteria provided, single submitter. Criteria: Ambry Variant Classification Scheme 2023. Collection method: clinical testing. Allele origin: germline.
Comment: The p.E1413G variant (also known as c.4238A>G), located in coding exon 6 of the ALPK3 gene, results from an A to G substitution at nucleotide position 4238. The glutamic acid at codon 1413 is replaced by glycine, an amino acid with similar properties. This amino acid position is well conserved in available vertebrate species. In addition, this alteration is predicted to be tolerated by in silico analysis. Since supporting evidence is limited at this time, the clinical significance of this alteration remains unclear.

Labcorp Genetics (formerly Invitae), Labcorp
Classification: Uncertain significance. Last evaluated: 2024-10-16. Review status: criteria provided, single submitter. Criteria: Invitae Variant Classification Sherloc (09022015). Collection method: clinical testing. Allele origin: germline.
Comment: This sequence change replaces glutamic acid, which is acidic and polar, with glycine, which is neutral and non-polar, at codon 1413 of the ALPK3 protein (p.Glu1413Gly). This variant is present in population databases (rs565962039, gnomAD 0.02%). This variant has not been reported in the literature in individuals affected with ALPK3-related conditions. ClinVar contains an entry for this variant (Variation ID: 1514184). Invitae Evidence Modeling of protein sequence and biophysical properties (such as structural, functional, and spatial information, amino acid conservation, physicochemical variation, residue mobility, and thermodynamic stability) indicates that this missense variant is expected to disrupt ALPK3 protein function with a positive predictive value of 80%. In summary, the available evidence is currently insufficient to determine the role of this variant in disease. Therefore, it has been classified as a Variant of Uncertain Significance.